The following is an entry in ClinVar:

NM_004836.7(EIF2AK3):c.1622G>A (p.Arg541His)

Gene: EIF2AK3 (eukaryotic translation initiation factor 2 alpha kinase 3; minus strand). Cytogenetic location: 2p11.2.
Variant type: single nucleotide variant.
Coding change: c.1622G>A on transcript NM_004836.7 (MANE Select); coding-DNA position 1622, G replaced by A.
Protein change: p.Arg541His; replaces arginine 541 with histidine.
Molecular consequence: missense variant.
Genome position (GRCh38, 1-based): chr2:88,585,869, C>T on the plus strand (G>A on the coding strand, the complement: EIF2AK3 is on the minus strand). VCF-style: chr2-88585869-C-T. GRCh37 (hg19) VCF-style: chr2-88885387-C-T.
Other names: c.1169G>A, p.Arg390His (NM_001313915.2); short protein forms R541H, R390H.
Identifiers: ClinVar variation 1392156 (VCV001392156.9), dbSNP rs758957898, ClinGen allele CA1754664.

ClinVar aggregate classification (germline): Uncertain significance. Review status: criteria provided, multiple submitters, no conflicts (2 of 4 stars). 3 submissions from 3 submitters: Uncertain significance (3). Last evaluated 2024-09-16.

Conditions:
Wolcott-Rallison dysplasia. Also called: Wolcott-Rallison syndrome; MED-IDDM SYNDROME. Identifiers: Orphanet 1667, MedGen C0432217, MONDO:0009192, OMIM 226980.

Allele frequency attached by ClinVar (database versions not stated): ExAC 0.00001; gnomAD exomes 0.00001.

Submissions (3):

Labcorp Genetics (formerly Invitae), Labcorp
Classification: Uncertain significance. Last evaluated: 2024-09-16. Review status: criteria provided, single submitter. Criteria: Invitae Variant Classification Sherloc (09022015). Collection method: clinical testing. Allele origin: germline.
Comment: This sequence change replaces arginine, which is basic and polar, with histidine, which is basic and polar, at codon 541 of the EIF2AK3 protein (p.Arg541His). This variant is present in population databases (rs758957898, gnomAD 0.007%). This variant has not been reported in the literature in individuals affected with EIF2AK3-related conditions. ClinVar contains an entry for this variant (Variation ID: 1392156). An algorithm developed to predict the effect of missense changes on protein structure and function (PolyPhen-2) suggests that this variant¬†is likely to be tolerated. In summary, the available evidence is currently insufficient to determine the role of this variant in disease. Therefore, it has been classified as a Variant of Uncertain Significance.

Blueprint Genetics
Classification: Uncertain significance. Last evaluated: 2023-10-16. Review status: criteria provided, single submitter. Criteria: ACMG Guidelines, 2015. Collection method: clinical testing. Allele origin: germline.

Fulgent Genetics
Classification: Uncertain significance for Wolcott-Rallison dysplasia. Last evaluated: 2021-10-12. Review status: criteria provided, single submitter. Criteria: ACMG Guidelines, 2015. Collection method: clinical testing. Allele origin: unknown.